The following is an entry in ClinVar:

NM_032409.3(PINK1):c.512A>G (p.Tyr171Cys)

Gene: PINK1 (PTEN induced kinase 1; plus strand). Cytogenetic location: 1p36.12.
Variant type: single nucleotide variant.
Coding change: c.512A>G on transcript NM_032409.3 (MANE Select); coding-DNA position 512, A replaced by G.
Protein change: p.Tyr171Cys; replaces tyrosine 171 with cysteine.
Molecular consequence: missense variant.
Genome position (GRCh38, 1-based): chr1:20,637,966, A>G. VCF-style: chr1-20637966-A-G. GRCh37 (hg19) VCF-style: chr1-20964459-A-G.
Other names: p.Tyr171Cys; short protein forms Y171C.
Identifiers: ClinVar variation 1929360 (VCV001929360.4), dbSNP rs776134109, ClinGen allele CA660444.

ClinVar aggregate classification (germline): Uncertain significance. Review status: criteria provided, multiple submitters, no conflicts (2 of 4 stars). 2 submissions from 2 submitters: Uncertain significance (2). Last evaluated 2025-10-31.

Conditions:
Autosomal recessive early-onset Parkinson disease 6 (PARK6). Also called: PINK1-Related Parkinson Disease; PARKINSON DISEASE 6, MODIFIER OF; PARKINSON DISEASE 6, EARLY-ONSET; PINK1 Type of Young-Onset Parkinson Disease. Identifiers: Orphanet 2828, MedGen C1853833, MONDO:0011613, OMIM 605909.

Allele frequency attached by ClinVar (database versions not stated): ExAC 0.00001; gnomAD exomes 0.00001; gnomAD 0.00006; TOPMed 0.00007.
gnomAD v4.1: 23 of 1,614,060 alleles (0.0014%); highest among the groups gnomAD compares: Admixed American, 0.01%; no homozygotes.

Submissions (2):

Mayo Clinic Laboratories, Mayo Clinic
Classification: Uncertain significance. Last evaluated: 2025-10-31. Review status: criteria provided, single submitter. Criteria: ACMG Guidelines, 2015. Collection method: clinical testing. Allele origin: germline. Observed: 1 variant allele.
Comment: PP3_moderate

Labcorp Genetics (formerly Invitae), Labcorp
Classification: Uncertain significance for Autosomal recessive early-onset Parkinson disease 6. Last evaluated: 2022-08-12. Review status: criteria provided, single submitter. Criteria: Invitae Variant Classification Sherloc (09022015). Collection method: clinical testing. Allele origin: germline.
Comment: In summary, the available evidence is currently insufficient to determine the role of this variant in disease. Therefore, it has been classified as a Variant of Uncertain Significance. Algorithms developed to predict the effect of missense changes on protein structure and function (SIFT, PolyPhen-2, Align-GVGD) all suggest that this variant is likely to be disruptive. This variant has not been reported in the literature in individuals affected with PINK1-related conditions. This variant is present in population databases (rs776134109, gnomAD 0.009%). This sequence change replaces tyrosine, which is neutral and polar, with cysteine, which is neutral and slightly polar, at codon 171 of the PINK1 protein (p.Tyr171Cys).